The following is an entry in ClinVar:

ClinVar aggregate classification (germline): Uncertain significance (1 of 4 stars; one submission).

Conditions:
Hyperkalemic periodic paralysis. Also called: Familial hyperkalemic periodic paralysis; Gamstorp disease. Identifiers: Orphanet 682, MedGen C0238357, MONDO:0008224, OMIM 170500, HP:0007215.

Submission:

Labcorp Genetics (formerly Invitae), Labcorp
Classification: Uncertain significance for Hyperkalemic periodic paralysis. Last evaluated: 2020-10-19. Review status: criteria provided, single submitter. Criteria: Invitae Variant Classification Sherloc (09022015). Collection method: clinical testing. Allele origin: germline.
Comment: In summary, the available evidence is currently insufficient to determine the role of this variant in disease. Therefore, it has been classified as a Variant of Uncertain Significance. Algorithms developed to predict the effect of missense changes on protein structure and function (SIFT, PolyPhen-2, Align-GVGD) all suggest that this variant is likely to be tolerated, but these predictions have not been confirmed by published functional studies and their clinical significance is uncertain. This variant has not been reported in the literature in individuals with SCN4A-related conditions. This variant is not present in population databases (ExAC no frequency). This sequence change replaces glutamic acid with glutamine at codon 978 of the SCN4A protein (p.Glu978Gln). The glutamic acid residue is highly conserved and there is a small physicochemical difference between glutamic acid and glutamine.

NM_000334.4(SCN4A):c.2932G>C (p.Glu978Gln)

Genes: GH-LCR (growth hormone locus control region; plus strand), SCN4A (sodium voltage-gated channel alpha subunit 4; minus strand). Cytogenetic location: 17q23.3.
Variant type: single nucleotide variant.
Coding change: c.2932G>C on transcript NM_000334.4 (MANE Select); coding-DNA position 2932, G replaced by C.
Protein change: p.Glu978Gln; replaces glutamic acid 978 with glutamine.
Molecular consequence: missense variant.
Genome position (GRCh38, 1-based): chr17:63,949,450, C>G on the plus strand (G>C on the coding strand, the complement: SCN4A is on the minus strand). VCF-style: chr17-63949450-C-G. GRCh37 (hg19) VCF-style: chr17-62026810-C-G.
Other names: short protein forms E978Q.
Identifiers: ClinVar variation 1060055 (VCV001060055.9), dbSNP rs1555601999, ClinGen allele CA400622297.